The following is an entry in ClinVar:

NM_025074.7(FRAS1):c.6112G>C (p.Val2038Leu)

Gene: FRAS1 (Fraser extracellular matrix complex subunit 1; plus strand). Cytogenetic location: 4q21.21.
Variant type: single nucleotide variant.
Coding change: c.6112G>C on transcript NM_025074.7 (MANE Select); coding-DNA position 6112, G replaced by C.
Protein change: p.Val2038Leu; replaces valine 2038 with leucine.
Molecular consequence: missense variant.
Genome position (GRCh38, 1-based): chr4:78,448,154, G>C. VCF-style: chr4-78448154-G-C. GRCh37 (hg19) VCF-style: chr4-79369308-G-C.
Other names: p.Val2038Leu; short protein forms V2038L.
Identifiers: ClinVar variation 2366956 (VCV002366956.7), dbSNP rs370507573, ClinGen allele CA2977701.

ClinVar aggregate classification (germline): Uncertain significance. Review status: criteria provided, multiple submitters, no conflicts (2 of 4 stars). 4 submissions from 4 submitters: Uncertain significance (3). 1 of the submissions does not count toward it. Last evaluated 2025-12-03.

Conditions:
Inborn genetic diseases. Identifiers: MedGen C0950123, MeSH D030342.
FRAS1-related disorder. Also called: FRAS1-related condition.

Allele frequency attached by ClinVar (database versions not stated): ESP Exome Variant Server 0.00016.
gnomAD v4.1: 31 of 1,613,764 alleles (0.0019%); highest among the groups gnomAD compares: African/African-American, 0.035%; no homozygotes.

Submissions (4):

GeneDx
Classification: Uncertain significance. Last evaluated: 2025-12-03. Review status: criteria provided, single submitter. Criteria: GeneDx Variant Classification Process June 2021. Collection method: clinical testing. Allele origin: germline.
Comment: Has not been previously published as pathogenic or benign to our knowledge; In silico analysis does not support a benign or deleterious effect of this variant on protein structure/function

Ambry Genetics
Classification: Uncertain significance for Inborn genetic diseases. Last evaluated: 2025-04-25. Review status: criteria provided, single submitter. Criteria: Ambry Variant Classification Scheme 2023. Collection method: clinical testing. Allele origin: germline.

Mayo Clinic Laboratories, Mayo Clinic
Classification: Uncertain significance. Last evaluated: 2025-03-17. Review status: criteria provided, single submitter. Criteria: ACMG Guidelines, 2015. Collection method: clinical testing. Allele origin: germline. Observed: 1 variant allele.
Comment: BP4_moderate

PreventionGenetics, part of Exact Sciences
Classification: Uncertain significance for FRAS1-related condition. Last evaluated: 2024-07-29. Review status: no assertion criteria provided. Collection method: clinical testing. Allele origin: germline. Not counted in ClinVar's aggregate classification.
Comment: The FRAS1 c.6112G>C variant is predicted to result in the amino acid substitution p.Val2038Leu. To our knowledge, this variant has not been reported in the literature. This variant is reported in 0.045% of alleles in individuals of African descent in gnomAD. At this time, the clinical significance of this variant is uncertain due to the absence of conclusive functional and genetic evidence.